The following is an entry in ClinVar:

ClinVar aggregate classification (germline): Uncertain significance (1 of 4 stars; one submission).

Allele frequency attached by ClinVar (database versions not stated): TOPMed below 0.00001.

Submission:

Labcorp Genetics (formerly Invitae), Labcorp
Classification: Uncertain significance. Last evaluated: 2020-02-22. Review status: criteria provided, single submitter. Criteria: Invitae Variant Classification Sherloc (09022015). Collection method: clinical testing. Allele origin: germline.
Comment: This sequence change replaces serine with isoleucine at codon 284 of the SZT2 protein (p.Ser284Ile). The serine residue is weakly conserved and there is a large physicochemical difference between serine and isoleucine. This variant is not present in population databases (ExAC no frequency). This variant has not been reported in the literature in individuals with SZT2-related disease. Algorithms developed to predict the effect of missense changes on protein structure and function do not agree on the potential impact of this missense change (SIFT: "Deleterious"; PolyPhen-2: "Possibly Damaging"; Align-GVGD: "Class C0"). In summary, the available evidence is currently insufficient to determine the role of this variant in disease. Therefore, it has been classified as a Variant of Uncertain Significance.

NM_001365999.1(SZT2):c.851G>T (p.Ser284Ile)

Gene: SZT2 (SZT2 subunit of KICSTOR complex; plus strand). Cytogenetic location: 1p34.2.
Variant type: single nucleotide variant.
Coding change: c.851G>T on transcript NM_001365999.1 (MANE Select); coding-DNA position 851, G replaced by T.
Protein change: p.Ser284Ile; replaces serine 284 with isoleucine.
Molecular consequence: missense variant.
Genome position (GRCh38, 1-based): chr1:43,416,613, G>T. VCF-style: chr1-43416613-G-T. GRCh37 (hg19) VCF-style: chr1-43882284-G-T.
Other names: c.851G>T, p.Ser284Ile (NM_015284.4); short protein forms S284I.
Identifiers: ClinVar variation 1051723 (VCV001051723.9), dbSNP rs1651751670, ClinGen allele CA340003814.